The following is an entry in ClinVar:

ClinVar aggregate classification (germline): Uncertain significance (1 of 4 stars; one submission).

Allele frequency attached by ClinVar (database versions not stated): ExAC 0.00002; gnomAD exomes 0.00002 and 0.00003; TOPMed 0.00002; gnomAD 0.00003.
gnomAD v4.1: 53 of 1,595,492 alleles (0.0033%); highest among the groups gnomAD compares: Non-Finnish European, 0.0042%; no homozygotes.

Submission:

Labcorp Genetics (formerly Invitae), Labcorp
Classification: Uncertain significance. Last evaluated: 2021-11-27. Review status: criteria provided, single submitter. Criteria: Invitae Variant Classification Sherloc (09022015). Collection method: clinical testing. Allele origin: germline.
Comment: This sequence change replaces glutamine, which is neutral and polar, with glutamic acid, which is acidic and polar, at codon 1702 of the CCDC88A protein (p.Gln1702Glu). This variant is present in population databases (rs749982942, gnomAD 0.01%). This variant has not been reported in the literature in individuals affected with CCDC88A-related conditions. Algorithms developed to predict the effect of missense changes on protein structure and function (SIFT, PolyPhen-2, Align-GVGD) all suggest that this variant is likely to be tolerated. In summary, the available evidence is currently insufficient to determine the role of this variant in disease. Therefore, it has been classified as a Variant of Uncertain Significance.

NM_001365480.1(CCDC88A):c.5107C>G (p.Gln1703Glu)

Gene: CCDC88A (coiled-coil domain containing 88A; minus strand). Cytogenetic location: 2p16.1.
Variant type: single nucleotide variant.
Coding change: c.5107C>G on transcript NM_001365480.1 (MANE Select); coding-DNA position 5107, C replaced by G.
Protein change: p.Gln1703Glu; replaces glutamine 1703 with glutamic acid.
Molecular consequence: missense variant.
Genome position (GRCh38, 1-based): chr2:55,296,041, G>C on the plus strand (C>G on the coding strand, the complement: CCDC88A is on the minus strand). VCF-style: chr2-55296041-G-C. GRCh37 (hg19) VCF-style: chr2-55523177-G-C.
Other names: c.5104C>G, p.Gln1702Glu (NM_001135597.2, NM_001254943.2); c.5023C>G, p.Gln1675Glu (NM_018084.5); short protein forms Q1703E, Q1675E, Q1702E.
Identifiers: ClinVar variation 1424365 (VCV001424365.3), dbSNP rs749982942, ClinGen allele CA1665383.